The following is an entry in ClinVar:

NM_000180.4(GUCY2D):c.2323C>T (p.Gln775Ter)

Gene: GUCY2D (guanylate cyclase 2D, retinal; plus strand). Cytogenetic location: 17p13.1.
Variant type: single nucleotide variant.
Coding change: c.2323C>T on transcript NM_000180.4 (MANE Select); coding-DNA position 2323, C replaced by T.
Protein change: p.Gln775Ter; replaces glutamine 775 with a stop codon.
Molecular consequence: nonsense.
Genome position (GRCh38, 1-based): chr17:8,013,939, C>T. VCF-style: chr17-8013939-C-T. GRCh37 (hg19) VCF-style: chr17-7917257-C-T.
Other names: short protein forms Q775*.
Identifiers: ClinVar variation 2046697 (VCV002046697.4), dbSNP rs2545425374, ClinGen allele CA397953175.

ClinVar aggregate classification (germline): Pathogenic (1 of 4 stars; one submission).

Conditions:
Cone-rod dystrophy 6 (CORD6). Also called: RETINAL CONE DYSTROPHY 2; Cone dystrophy progressive. Identifiers: Orphanet 1872, MedGen C1866293, MONDO:0011143, OMIM 601777.
Leber congenital amaurosis 1 (LCA1). Also called: RETINAL BLINDNESS, CONGENITAL; AMAUROSIS CONGENITA OF LEBER I; Congenital absence of the rods and cones; Leber's congenital tapetoretinal degeneration; Leber's congenital tapetoretinal dysplasia. Identifiers: Orphanet 65, MedGen C2931258, MONDO:0008764, OMIM 204000.

Submission:

Labcorp Genetics (formerly Invitae), Labcorp
Classification: Pathogenic for Leber congenital amaurosis 1; Cone-rod dystrophy 6. Last evaluated: 2022-05-17. Review status: criteria provided, single submitter. Criteria: Invitae Variant Classification Sherloc (09022015). Collection method: clinical testing. Allele origin: germline.
Comment: This variant has not been reported in the literature in individuals affected with GUCY2D-related conditions. For these reasons, this variant has been classified as Pathogenic. Algorithms developed to predict the effect of sequence changes on RNA splicing suggest that this variant may disrupt the consensus splice site. This variant is not present in population databases (gnomAD no frequency). This sequence change creates a premature translational stop signal (p.Gln775*) in the GUCY2D gene. It is expected to result in an absent or disrupted protein product. Loss-of-function variants in GUCY2D are known to be pathogenic (PMID: 10951519, 11328726).

Literature cited by the submitters: PubMed 10951519; PubMed 11328726.